The following is an entry in ClinVar:

ClinVar aggregate classification (germline): Conflicting classifications of pathogenicity. Review status: criteria provided, conflicting classifications (1 of 4 stars). 3 submissions from 3 submitters: Pathogenic (1); Likely pathogenic (1); Uncertain significance (1). Last evaluated 2025-12-09.

Conditions:
Inborn genetic diseases. Identifiers: MedGen C0950123, MeSH D030342.
GLUT1 deficiency syndrome 1, autosomal recessive. Identifiers: MedGen C3149117.

Submissions (3):

Ambry Genetics
Classification: Likely pathogenic for Inborn genetic diseases. Last evaluated: 2025-12-09. Review status: criteria provided, single submitter. Criteria: Ambry Variant Classification Scheme 2023. Collection method: clinical testing. Allele origin: germline.
Comment: The c.1387A>T (p.I463F) alteration is located in exon 10 (coding exon 10) of the SLC2A1 gene. This alteration results from a A to T substitution at nucleotide position 1387, causing the isoleucine (I) at amino acid position 463 to be replaced by a phenylalanine (F). This variant was not reported in population-based cohorts in the Genome Aggregation Database (gnomAD). This amino acid position is highly conserved in available vertebrate species. This alteration is predicted to be deleterious by in silico analysis. Based on the available evidence, this alteration is classified as likely pathogenic.

Labcorp Genetics (formerly Invitae), Labcorp
Classification: Pathogenic for GLUT1 deficiency syndrome 1, autosomal recessive. Last evaluated: 2024-06-04. Review status: criteria provided, single submitter. Criteria: Invitae Variant Classification Sherloc (09022015). Collection method: clinical testing. Allele origin: germline.
Comment: This sequence change replaces isoleucine, which is neutral and non-polar, with phenylalanine, which is neutral and non-polar, at codon 463 of the SLC2A1 protein (p.Ile463Phe). This variant is not present in population databases (gnomAD no frequency). This missense change has been observed in individual(s) with clinical features of GLUT1-deficiency syndrome (Invitae). In at least one individual the variant was observed to be de novo. ClinVar contains an entry for this variant (Variation ID: 1364139). Advanced modeling of protein sequence and biophysical properties (such as structural, functional, and spatial information, amino acid conservation, physicochemical variation, residue mobility, and thermodynamic stability) performed at Invitae indicates that this missense variant is expected to disrupt SLC2A1 protein function with a positive predictive value of 95%. For these reasons, this variant has been classified as Pathogenic.

GeneDx
Classification: Uncertain significance. Last evaluated: 2023-12-12. Review status: criteria provided, single submitter. Criteria: GeneDx Variant Classification Process June 2021. Collection method: clinical testing. Allele origin: germline. Affected: yes.
Comment: Not observed at significant frequency in large population cohorts (gnomAD); In silico analysis supports that this missense variant has a deleterious effect on protein structure/function; Has not been previously published as pathogenic or benign to our knowledge

NM_006516.4(SLC2A1):c.1387A>T (p.Ile463Phe)

Gene: SLC2A1 (solute carrier family 2 member 1; minus strand). Cytogenetic location: 1p34.2.
Variant type: single nucleotide variant.
Coding change: c.1387A>T on transcript NM_006516.4 (MANE Select); coding-DNA position 1387, A replaced by T.
Protein change: p.Ile463Phe; replaces isoleucine 463 with phenylalanine.
Molecular consequence: missense variant.
Genome position (GRCh38, 1-based): chr1:42,927,133, T>A on the plus strand (A>T on the coding strand, the complement: SLC2A1 is on the minus strand). VCF-style: chr1-42927133-T-A. GRCh37 (hg19) VCF-style: chr1-43392804-T-A.
Other names: c.1387A>T (NM_006516.2); short protein forms I463F.
Identifiers: ClinVar variation 1364139 (VCV001364139.10), dbSNP rs2124445461, ClinGen allele CA339952946.